The following is an entry in ClinVar:

NM_000237.3(LPL):c.1322+1G>C

Gene: LPL (lipoprotein lipase; plus strand). Cytogenetic location: 8p21.3.
Variant type: single nucleotide variant.
Coding change: c.1322+1G>C on transcript NM_000237.3 (MANE Select); the canonical splice donor site of the intron after coding-DNA position 1322, G replaced by C.
Molecular consequence: splice donor variant.
Genome position (GRCh38, 1-based): chr8:19,961,084, G>C. VCF-style: chr8-19961084-G-C. GRCh37 (hg19) VCF-style: chr8-19818595-G-C.
Other names: c.1322+1G>C (NM_000237.2).
Identifiers: ClinVar variation 1423003 (VCV001423003.9), dbSNP rs2128839625, ClinGen allele CA370638923.

ClinVar aggregate classification (germline): Pathogenic/Likely pathogenic. Review status: criteria provided, multiple submitters, no conflicts (2 of 4 stars). 2 submissions from 2 submitters: Pathogenic (1); Likely pathogenic (1). Last evaluated 2025-03-07.

Conditions:
Cardiovascular phenotype. Identifiers: MedGen CN230736.

Submissions (2):

Ambry Genetics
Classification: Likely pathogenic for Cardiovascular phenotype. Last evaluated: 2025-03-07. Review status: criteria provided, single submitter. Criteria: Ambry Variant Classification Scheme 2023. Collection method: clinical testing. Allele origin: germline.
Comment: The c.1322+1G>C intronic variant results from a G to C substitution one nucleotide after coding exon 8 of the LPL gene. Alterations that disrupt the canonical splice site are expected to cause aberrant splicing, resulting in an abnormal protein or a transcript that is subject to nonsense-mediated mRNA decay. In silico splice site analysis predicts that this alteration will weaken the native splice donor site. A resulting transcript is predicted to be in-frame and is not expected to trigger nonsense-mediated mRNAdecay; although, direct evidence is unavailable. However, the region predicted to be impacted is critical for protein function and a significant portion of the protein is predicted to be impacted (Ambry internal data). This variant is considered to be rare based on population cohorts in the Genome Aggregation Database (gnomAD). This nucleotide position is highly conserved in available vertebrate species. As such, this alteration is classified as likely pathogenic.

Labcorp Genetics (formerly Invitae), Labcorp
Classification: Pathogenic. Last evaluated: 2024-04-09. Review status: criteria provided, single submitter. Criteria: Invitae Variant Classification Sherloc (09022015). Collection method: clinical testing. Allele origin: germline.
Comment: This sequence change affects a donor splice site in intron 8 of the LPL gene. It is expected to disrupt RNA splicing. Variants that disrupt the donor or acceptor splice site typically lead to a loss of protein function (PMID: 16199547), and loss-of-function variants in LPL are known to be pathogenic (PMID: 11334614). This variant is not present in population databases (gnomAD no frequency). Disruption of this splice site has been observed in individual(s) with clinical features of LPL-related conditions (PMID: 31901151). ClinVar contains an entry for this variant (Variation ID: 1423003). Algorithms developed to predict the effect of variants on protein structure and function are not available or were not evaluated for this variant. Experimental studies have shown that disruption of this splice site affects LPL function (PMID: 31901151). Studies have shown that disruption of this splice site alters mRNA splicing and is expected to lead to the loss of protein expression (PMID: 31901151). For these reasons, this variant has been classified as Pathogenic.

Literature cited by the submitters: PubMed 16199547 (cited by Labcorp Genetics (formerly Invitae), Labcorp); PubMed 11334614 (cited by Labcorp Genetics (formerly Invitae), Labcorp); PubMed 31901151 (cited by Labcorp Genetics (formerly Invitae), Labcorp).